The following is an entry in ClinVar:

ClinVar aggregate classification (germline): Uncertain significance (1 of 4 stars; one submission).

Conditions:
IFT172-related disorder. Also called: IFT172-related disorders; IFT172-related condition.

gnomAD v4.1: 3 of 1,614,032 alleles (0.00019%); highest among the groups gnomAD compares: Admixed American, 0.0033%; no homozygotes.

Submission:

PreventionGenetics, part of Exact Sciences
Classification: Uncertain significance for IFT172-related condition. Last evaluated: 2026-08-11. Review status: criteria provided, single submitter. Criteria: ACMG Guidelines, 2015. Collection method: clinical testing. Allele origin: germline.
Comment: The IFT172 c.4217T>A variant is predicted to result in the amino acid substitution p.Val1406Glu. To our knowledge, this variant has not been reported in the literature. This variant is reported in 0.0029% of alleles in individuals of Latino descent in gnomAD. At this time, the clinical significance of this variant is uncertain due to the absence of conclusive functional and genetic evidence.

NM_015662.3(IFT172):c.4217T>A (p.Val1406Glu)

Gene: IFT172 (intraflagellar transport 172; minus strand). Cytogenetic location: 2p23.3.
Variant type: single nucleotide variant.
Coding change: c.4217T>A on transcript NM_015662.3 (MANE Select); coding-DNA position 4217, T replaced by A.
Protein change: p.Val1406Glu; replaces valine 1406 with glutamic acid.
Molecular consequence: missense variant.
Genome position (GRCh38, 1-based): chr2:27,449,506, A>T on the plus strand (T>A on the coding strand, the complement: IFT172 is on the minus strand). VCF-style: chr2-27449506-A-T. GRCh37 (hg19) VCF-style: chr2-27672373-A-T.
Other names: c.4151T>A, p.Val1384Glu (NM_001410739.1); short protein forms V1384E, V1406E.
Identifiers: ClinVar variation 3347700 (VCV003347700.2).